The following is an entry in ClinVar:

ClinVar aggregate classification (germline): Uncertain significance. Review status: criteria provided, multiple submitters, no conflicts (2 of 4 stars). 2 submissions from 2 submitters: Uncertain significance (2). Last evaluated 2023-09-29.

Conditions:
Intellectual developmental disorder, autosomal dominant 1. Also called: Intellectual disability, autosomal dominant 1; MBD5 Haploinsufficiency. Identifiers: Orphanet 228402, MedGen C1969562, MONDO:0007974, OMIM 156200.

Allele frequency attached by ClinVar (database versions not stated): gnomAD exomes below 0.00001.
gnomAD v4.1: 2 of 1,613,648 alleles (0.00012%); highest among the groups gnomAD compares: Non-Finnish European, 0.00017%; no homozygotes.

Submissions (2):

Blueprint Genetics
Classification: Uncertain significance. Last evaluated: 2023-09-29. Review status: criteria provided, single submitter. Criteria: ACMG Guidelines, 2015. Collection method: clinical testing. Allele origin: germline.

Centre for Mendelian Genomics, University Medical Centre Ljubljana
Classification: Uncertain significance for Intellectual developmental disorder, autosomal dominant 1. Last evaluated: 2019-08-22. Review status: criteria provided, single submitter. Criteria: ACMG Guidelines, 2015. Collection method: clinical testing. Allele origin: unknown. Affected: yes.
Comment: This variant was classified as: Uncertain significance. The available evidence on this variant's pathogenicity is insufficient or conflicting. The following ACMG criteria were applied in classifying this variant: PM2,BP4.

NM_001378120.1(MBD5):c.4333T>G (p.Tyr1445Asp)

Gene: MBD5 (methyl-CpG binding domain protein 5; plus strand). Cytogenetic location: 2q23.1.
Variant type: single nucleotide variant.
Coding change: c.4333T>G on transcript NM_001378120.1 (MANE Select); coding-DNA position 4333, T replaced by G.
Protein change: p.Tyr1445Asp; replaces tyrosine 1445 with aspartic acid.
Molecular consequence: missense variant.
Genome position (GRCh38, 1-based): chr2:148,489,965, T>G. VCF-style: chr2-148489965-T-G. GRCh37 (hg19) VCF-style: chr2-149247534-T-G.
Other names: c.3634T>G, p.Tyr1212Asp (NM_018328.5); short protein forms Y1445D, Y1212D.
Identifiers: ClinVar variation 930565 (VCV000930565.4), dbSNP rs1681469923, ClinGen allele CA348728898.